The following is an entry in ClinVar:

ClinVar aggregate classification (germline): Pathogenic (1 of 4 stars; one submission).

Conditions:
Early-infantile DEE. Also called: Ohtahara syndrome; Early infantile epileptic encephalopathy; Early infantile epileptic encephalopathy with suppression bursts. Identifiers: Orphanet 1934, MedGen C0393706, MONDO:0800491.

Submission:

Labcorp Genetics (formerly Invitae), Labcorp
Classification: Pathogenic for Early-infantile DEE. Last evaluated: 2024-08-22. Review status: criteria provided, single submitter. Criteria: Invitae Variant Classification Sherloc (09022015). Collection method: clinical testing. Allele origin: germline.
Comment: This sequence change replaces aspartic acid, which is acidic and polar, with glycine, which is neutral and non-polar, at codon 1443 of the SCN1A protein (p.Asp1443Gly). This variant is not present in population databases (gnomAD no frequency). This missense change has been observed in individual(s) with clinical features of autosomal dominant SCN1A-related conditions (internal data). In at least one individual the variant was observed to be de novo. Invitae Evidence Modeling of protein sequence and biophysical properties (such as structural, functional, and spatial information, amino acid conservation, physicochemical variation, residue mobility, and thermodynamic stability) indicates that this missense variant is expected to disrupt SCN1A protein function with a positive predictive value of 95%. This variant disrupts the p.Asp1443 amino acid residue in SCN1A. Other variant(s) that disrupt this residue have been observed in individuals with SCN1A-related conditions (PMID: 30558019, 31765958), which suggests that this may be a clinically significant amino acid residue. For these reasons, this variant has been classified as Pathogenic.

Literature cited by the submitters: PubMed 30558019; PubMed 31765958.

NM_001165963.4(SCN1A):c.4328A>G (p.Asp1443Gly)

Genes: SCN1A (sodium voltage-gated channel alpha subunit 1; minus strand), LOC102724058 (uncharacterized LOC102724058; plus strand). Cytogenetic location: 2q24.3.
Variant type: single nucleotide variant.
Coding change: c.4328A>G on transcript NM_001165963.4 (MANE Select); coding-DNA position 4328, A replaced by G.
Protein change: p.Asp1443Gly; replaces aspartic acid 1443 with glycine.
Molecular consequence: missense variant. On other transcripts: non-coding transcript variant (1).
Genome position (GRCh38, 1-based): chr2:165,999,733, T>C on the plus strand (A>G on the coding strand, the complement: SCN1A is on the minus strand). VCF-style: chr2-165999733-T-C. GRCh37 (hg19) VCF-style: chr2-166856243-T-C.
Other names: c.4292A>G, p.Asp1431Gly (NM_001353955.2, NM_001353954.2); c.4244A>G, p.Asp1415Gly (NM_001353957.2, NM_001353958.2, NM_001165964.3); c.4241A>G, p.Asp1414Gly (NM_001353960.2); c.1886A>G, p.Asp629Gly (NM_001353961.2); c.4295A>G, p.Asp1432Gly (NM_006920.6, NM_001353949.2, NM_001353950.2 and 2 more transcripts); c.4328A>G, p.Asp1443Gly (NM_001202435.3, NM_001353948.2); short protein forms D1415G, D1432G, D1431G, D1443G, D1414G, D629G.
Identifiers: ClinVar variation 2772236 (VCV002772236.3), dbSNP rs2468408072, ClinGen allele CA349049550.
Genomic context (GRCh38, chr2:165,999,733, plus strand): 5'-TACCACCTGATCAATATTGTAAAAAGACTTAGAATACAAGGAATACTTACATTTCTGGAA[T>C]CAACTGCTGCATACATTATATCCATCCATCCTTTGAATGTGGCCTATTAAGAAGGACATG-3'
Protein context (NP_001159435.1, residues 1433-1453): GWMDIMYAAV[Asp1443Gly]SRNVELQPKY